The following is an entry in ClinVar:

ClinVar aggregate classification (germline): Likely benign (1 of 4 stars; one submission).

Allele frequency attached by ClinVar (database versions not stated): 1000 Genomes Project 30x 0.00016; 1000 Genomes Project 0.00020; gnomAD 0.00020; ExAC 0.00023; TOPMed 0.00023; ESP Exome Variant Server 0.00029.
gnomAD v4.1: 148 of 1,608,728 alleles (0.0092%); highest among the groups gnomAD compares: Admixed American, 0.059%; 1 homozygote.

Submission:

CeGaT Center for Human Genetics Tuebingen
Classification: Likely benign. Last evaluated: 2022-06-01. Review status: criteria provided, single submitter. Criteria: CeGaT Center For Human Genetics Tuebingen Variant Classification Criteria Version 2. Collection method: clinical testing. Allele origin: germline. Affected: yes. Observed: 1 variant allele.
Comment: DOCK9: BP4, BP7

NM_001366683.2(DOCK9):c.69G>C (p.Leu23=)

Gene: DOCK9 (dedicator of cytokinesis 9; minus strand). Cytogenetic location: 13q32.3.
Variant type: single nucleotide variant.
Coding change: c.69G>C on transcript NM_001366683.2 (MANE Select); coding-DNA position 69, G replaced by C.
Protein change: p.Leu23=; no amino-acid change (leucine 23 retained).
Molecular consequence: synonymous variant. On other transcripts: intron variant (6).
Genome position (GRCh38, 1-based): chr13:98,977,841, C>G on the plus strand (G>C on the coding strand, the complement: DOCK9 is on the minus strand). VCF-style: chr13-98977841-C-G. GRCh37 (hg19) VCF-style: chr13-99630095-C-G.
Other names: c.69G>C, p.Leu23= (NM_001130048.2, NM_001130050.2, NM_001366679.2 and 4 more transcripts); c.130-22290G>C (NM_001318849.2, NM_015296.3, NM_001130049.2); c.163-22290G>C (NM_001366677.2, NM_001366676.2, NM_001366678.2).
Identifiers: ClinVar variation 2643889 (VCV002643889.24), dbSNP rs199968526, ClinGen allele CA7030438.